The following is an entry in ClinVar:

NM_000321.3(RB1):c.825A>C (p.Glu275Asp)

Gene: RB1 (RB transcriptional corepressor 1; plus strand). Cytogenetic location: 13q14.2.
Variant type: single nucleotide variant.
Coding change: c.825A>C on transcript NM_000321.3 (MANE Select); coding-DNA position 825, A replaced by C.
Protein change: p.Glu275Asp; replaces glutamic acid 275 with aspartic acid.
Molecular consequence: missense variant.
Genome position (GRCh38, 1-based): chr13:48,362,921, A>C. VCF-style: chr13-48362921-A-C. GRCh37 (hg19) VCF-style: chr13-48937057-A-C.
Other names: c.825A>C, p.Glu275Asp (NM_001407165.1, NM_001407166.1); short protein forms E275D.
Identifiers: ClinVar variation 3699255 (VCV003699255.2).
Genomic context (GRCh38, chr13:48,362,921, plus strand): 5'-AGGTCAGAACAGGAGTGCACGGATAGCAAAACAACTAGAAAATGATACAAGAATTATTGA[A>C]GTTCTCTGTAAAGAACATGAATGTAATATAGATGAGGTAATTTAACTTCATGATTTCTTT-3'
Protein context (NP_000312.2, residues 265-285): KQLENDTRII[Glu275Asp]VLCKEHECNI

ClinVar aggregate classification (germline): Uncertain significance (1 of 4 stars; one submission).

Conditions:
Retinoblastoma (RB1). Also called: RETINOBLASTOMA, SOMATIC. Identifiers: Orphanet 790, MedGen C0035335, MeSH D012175, MONDO:0008380, OMIM 180200, HP:0009919. Disease mechanism: loss of function. Inheritance: Both sporadic and heritable forms are tested..

gnomAD v4.1: 3 of 1,613,828 alleles (0.00019%); highest among the groups gnomAD compares: Non-Finnish European, 0.00025%; no homozygotes.

Submission:

Labcorp Genetics (formerly Invitae), Labcorp
Classification: Uncertain significance for Retinoblastoma. Last evaluated: 2024-10-10. Review status: criteria provided, single submitter. Criteria: Invitae Variant Classification Sherloc (09022015). Collection method: clinical testing. Allele origin: germline.
Comment: This sequence change replaces glutamic acid, which is acidic and polar, with aspartic acid, which is acidic and polar, at codon 275 of the RB1 protein (p.Glu275Asp). This variant is not present in population databases (gnomAD no frequency). This variant has not been reported in the literature in individuals affected with RB1-related conditions. Invitae Evidence Modeling of protein sequence and biophysical properties (such as structural, functional, and spatial information, amino acid conservation, physicochemical variation, residue mobility, and thermodynamic stability) indicates that this missense variant is not expected to disrupt RB1 protein function with a negative predictive value of 80%. In summary, the available evidence is currently insufficient to determine the role of this variant in disease. Therefore, it has been classified as a Variant of Uncertain Significance.